The following is an entry in ClinVar:

NM_031372.4(HNRNPDL):c.793C>G (p.Pro265Ala)

Gene: HNRNPDL (heterogeneous nuclear ribonucleoprotein D like; minus strand). Cytogenetic location: 4q21.22.
Variant type: single nucleotide variant.
Coding change: c.793C>G on transcript NM_031372.4 (MANE Select); coding-DNA position 793, C replaced by G.
Protein change: p.Pro265Ala; replaces proline 265 with alanine.
Molecular consequence: missense variant. On other transcripts: non-coding transcript variant (1).
Genome position (GRCh38, 1-based): chr4:82,427,546, G>C on the plus strand (C>G on the coding strand, the complement: HNRNPDL is on the minus strand). VCF-style: chr4-82427546-G-C. GRCh37 (hg19) VCF-style: chr4-83348699-G-C.
Other names: c.793C>G, p.Pro265Ala (NM_001207000.1); short protein forms P265A.
Identifiers: ClinVar variation 1062117 (VCV001062117.9), dbSNP rs1337176593, ClinGen allele CA357170305.
Genomic context (GRCh38, chr4:82,427,546, plus strand): 5'-CTTCATCAGTATATGTGATAAAACAAAATCCTCTTCTTTCATTTGTTTTTGTATCCATGG[G>C]AAGTTCAATATTTTCAATCTGAAATCGAGATGCACACTCAACGTCATCCCATAATTGTAA-3'
Protein context (NP_112740.1, residues 255-275): AFGEIENIEL[Pro265Ala]MDTKTNERRG

ClinVar aggregate classification (germline): Uncertain significance (1 of 4 stars; one submission).

Conditions:
Autosomal dominant limb-girdle muscular dystrophy type 1G (LGMDD3). Also called: MUSCULAR DYSTROPHY, LIMB-GIRDLE, AUTOSOMAL DOMINANT 3; Limb-girdle muscular dystrophy, type 1G. Identifiers: Orphanet 55596, MedGen C1836765, MONDO:0012193, OMIM 609115.

Allele frequency attached by ClinVar (database versions not stated): gnomAD exomes below 0.00001.
gnomAD v4.1: 1 of 1,609,112 alleles (0.000062%); highest among the groups gnomAD compares: East Asian, 0.0022%; no homozygotes.

Submission:

Labcorp Genetics (formerly Invitae), Labcorp
Classification: Uncertain significance for Autosomal dominant limb-girdle muscular dystrophy type 1G. Last evaluated: 2020-07-08. Review status: criteria provided, single submitter. Criteria: Invitae Variant Classification Sherloc (09022015). Collection method: clinical testing. Allele origin: germline.
Comment: In summary, the available evidence is currently insufficient to determine the role of this variant in disease. Therefore, it has been classified as a Variant of Uncertain Significance. Algorithms developed to predict the effect of missense changes on protein structure and function are either unavailable or do not agree on the potential impact of this missense change (SIFT: "Deleterious"; PolyPhen-2: "Benign"; Align-GVGD: "Class C25"). This variant has not been reported in the literature in individuals with HNRNPDL-related conditions. This variant is not present in population databases (ExAC no frequency). This sequence change replaces proline with alanine at codon 265 of the HNRNPDL protein (p.Pro265Ala). The proline residue is highly conserved and there is a small physicochemical difference between proline and alanine.